The following is an entry in ClinVar:

ClinVar aggregate classification (germline): Uncertain significance (1 of 4 stars; one submission).

Conditions:
Hereditary cancer-predisposing syndrome. Also called: Tumor predisposition; Hereditary Cancer Syndrome; Hereditary neoplastic syndrome; Neoplastic Syndromes, Hereditary. Identifiers: Orphanet 140162, MedGen C0027672, MeSH D009386, MONDO:0015356.

Submission:

Ambry Genetics
Classification: Uncertain significance for Hereditary cancer-predisposing syndrome. Last evaluated: 2024-06-14. Review status: criteria provided, single submitter. Criteria: Ambry Variant Classification Scheme 2023. Collection method: clinical testing. Allele origin: germline.
Comment: The p.N321S variant (also known as c.962A>G), located in coding exon 6 of the MSH3 gene, results from an A to G substitution at nucleotide position 962. The asparagine at codon 321 is replaced by serine, an amino acid with highly similar properties. This amino acid position is conserved. In addition, this alteration is predicted to be tolerated by in silico analysis. Based on the available evidence, the clinical significance of this variant remains unclear.

NM_002439.5(MSH3):c.962A>G (p.Asn321Ser)

Genes: MSH3 (mutS homolog 3; plus strand), LOC126807437 (MED14-independent group 3 enhancer GRCh37_chr5:79968379-79969578; plus strand). Cytogenetic location: 5q14.1.
Variant type: single nucleotide variant.
Coding change: c.962A>G on transcript NM_002439.5 (MANE Select); coding-DNA position 962, A replaced by G.
Protein change: p.Asn321Ser; replaces asparagine 321 with serine.
Molecular consequence: missense variant.
Genome position (GRCh38, 1-based): chr5:80,672,793, A>G. VCF-style: chr5-80672793-A-G. GRCh37 (hg19) VCF-style: chr5-79968612-A-G.
Other names: short protein forms N321S.
Identifiers: ClinVar variation 3296313 (VCV003296313.1).
Genomic context (GRCh38, chr5:80,672,793, plus strand): 5'-TGTTGAAGGTGGGAGTTGTGAAGCAAACTGAAACTGCAGCATTAAAGGCCATTGGAGACA[A>G]CAGAAGTTCACTCTTTTCCCGGAAATTGACTGCCCTTTATACAAAATCTACACTTATTGG-3'
Protein context (NP_002430.3, residues 311-331): ETAALKAIGD[Asn321Ser]RSSLFSRKLT